The following is an entry in ClinVar:

NM_004453.4(ETFDH):c.265_266del (p.Gln89fs)

Gene: ETFDH (electron transfer flavoprotein dehydrogenase; plus strand). Cytogenetic location: 4q32.1.
Variant type: Deletion.
Coding change: c.265_266del on transcript NM_004453.4 (MANE Select); coding-DNA positions 265 to 266, 2 bases deleted (CA; older notation c.265_266delCA).
Protein change: p.Gln89fs; shifts the reading frame from glutamine 89.
Molecular consequence: frameshift variant.
Genome position (GRCh38, 1-based): chr4:158,682,284-158,682,285, CA deleted; deleting any 2 consecutive bases within chr4:158,682,283-158,682,285 gives the same sequence; the c. name uses the placement nearest the transcript's 3' end. VCF-style (leftmost placement, unchanged base first): chr4-158682282-AAC-A. GRCh37 (hg19) VCF-style: chr4-159603434-AAC-A.
Other names: c.124_125del, p.Gln42fs (NM_001281737.2); c.82_83del, p.Gln28fs (NM_001281738.1); short protein forms Q28fs, Q89fs, Q42fs.
Identifiers: ClinVar variation 972080 (VCV000972080.12), dbSNP rs1773880008, ClinGen allele CA1139658684.

ClinVar aggregate classification (germline): Pathogenic. Review status: criteria provided, multiple submitters, no conflicts (2 of 4 stars). 3 submissions from 3 submitters: Pathogenic (3). Last evaluated 2024-03-14.

Conditions:
Multiple acyl-CoA dehydrogenase deficiency (MADD). Also called: Glutaric Acidemia type 2; Glutaric aciduria, type 2; Glutaric acidemia type II; GA 2; ETHYLMALONIC-ADIPICACIDURIA; GA II. Identifiers: Orphanet 26791, MedGen C0268596, MONDO:0009282, OMIM 231680.

Submissions (3):

Fulgent Genetics
Classification: Pathogenic for Multiple acyl-CoA dehydrogenase deficiency. Last evaluated: 2024-03-14. Review status: criteria provided, single submitter. Criteria: ACMG Guidelines, 2015. Collection method: clinical testing. Allele origin: germline.

Labcorp Genetics (formerly Invitae), Labcorp
Classification: Pathogenic for Multiple acyl-CoA dehydrogenase deficiency. Last evaluated: 2024-03-04. Review status: criteria provided, single submitter. Criteria: Invitae Variant Classification Sherloc (09022015). Collection method: clinical testing. Allele origin: germline.
Comment: This sequence change creates a premature translational stop signal (p.Gln89Valfs*6) in the ETFDH gene. It is expected to result in an absent or disrupted protein product. Loss-of-function variants in ETFDH are known to be pathogenic (PMID: 16510302, 23785301). This variant is not present in population databases (gnomAD no frequency). This premature translational stop signal has been observed in individual(s) with multiple acyl-CoA dehydrogenase deficiency (PMID: 30587156). ClinVar contains an entry for this variant (Variation ID: 972080). For these reasons, this variant has been classified as Pathogenic.

Baylor Genetics
Classification: Pathogenic for Multiple acyl-CoA dehydrogenase deficiency. Last evaluated: 2023-08-16. Review status: criteria provided, single submitter. Criteria: ACMG Guidelines, 2015. Collection method: clinical testing. Allele origin: unknown.

Literature cited by the submitters: PubMed 16510302 (cited by Labcorp Genetics (formerly Invitae), Labcorp); PubMed 23785301 (cited by Labcorp Genetics (formerly Invitae), Labcorp); PubMed 30587156 (cited by Labcorp Genetics (formerly Invitae), Labcorp).